The following is an entry in ClinVar:

ClinVar aggregate classification (germline): Uncertain significance. Review status: criteria provided, multiple submitters, no conflicts (2 of 4 stars). 3 submissions from 3 submitters: Uncertain significance (3). Last evaluated 2025-07-30.

Conditions:
Hereditary cancer-predisposing syndrome. Also called: Neoplastic Syndromes, Hereditary; Tumor predisposition; Hereditary Cancer Syndrome; Hereditary neoplastic syndrome. Identifiers: Orphanet 140162, MedGen C0027672, MeSH D009386, MONDO:0015356.
Ataxia-telangiectasia syndrome (AT). Also called: Ataxia telangiectasia (A-T); ATAXIA-TELANGIECTASIA, COMPLEMENTATION GROUP A; ATAXIA-TELANGIECTASIA, FRESNO VARIANT; Ataxia-telangiectasia; Ataxia-telangiectasia, complementation group E; LOUIS-BAR SYNDROME. Identifiers: Orphanet 100, MedGen C0004135, MONDO:0008840, OMIM 208900.
Familial cancer of breast. Also called: Hereditary breast cancer; hereditary breast carcinoma; BREAST CANCER, FAMILIAL. Identifiers: Orphanet 227535, MedGen C0346153, MONDO:0016419, OMIM 114480. Disease mechanism: loss of function.

Submissions (3):

Labcorp Genetics (formerly Invitae), Labcorp
Classification: Uncertain significance for Ataxia-telangiectasia syndrome. Last evaluated: 2025-07-30. Review status: criteria provided, single submitter. Criteria: Invitae Variant Classification Sherloc (09022015). Collection method: clinical testing. Allele origin: germline.
Comment: This sequence change replaces glutamine, which is neutral and polar, with lysine, which is basic and polar, at codon 2269 of the ATM protein (p.Gln2269Lys). This variant is not present in population databases (gnomAD no frequency). This variant has not been reported in the literature in individuals affected with ATM-related conditions. ClinVar contains an entry for this variant (Variation ID: 1025789). An algorithm developed to predict the effect of missense changes on protein structure and function (PolyPhen-2) suggests that this variant is likely to be disruptive. In summary, the available evidence is currently insufficient to determine the role of this variant in disease. Therefore, it has been classified as a Variant of Uncertain Significance.

Ambry Genetics
Classification: Uncertain significance for Hereditary cancer-predisposing syndrome. Last evaluated: 2024-07-05. Review status: criteria provided, single submitter. Criteria: Ambry Variant Classification Scheme 2023. Collection method: clinical testing. Allele origin: germline.
Comment: The p.Q2269K variant (also known as c.6805C>A), located in coding exon 45 of the ATM gene, results from a C to A substitution at nucleotide position 6805. The glutamine at codon 2269 is replaced by lysine, an amino acid with similar properties. This amino acid position is highly conserved in available vertebrate species. In addition, the in silico prediction for this alteration is inconclusive. Since supporting evidence is limited at this time, the clinical significance of this alteration remains unclear.

Fulgent Genetics
Classification: Uncertain significance for Familial cancer of breast; Ataxia-telangiectasia syndrome. Last evaluated: 2024-03-17. Review status: criteria provided, single submitter. Criteria: ACMG Guidelines, 2015. Collection method: clinical testing. Allele origin: germline.

NM_000051.4(ATM):c.6805C>A (p.Gln2269Lys)

Genes: ATM (ATM serine/threonine kinase; plus strand), C11orf65 (chromosome 11 open reading frame 65; minus strand). Cytogenetic location: 11q22.3.
Variant type: single nucleotide variant.
Coding change: c.6805C>A on transcript NM_000051.4 (MANE Select); coding-DNA position 6805, C replaced by A.
Protein change: p.Gln2269Lys; replaces glutamine 2269 with lysine.
Molecular consequence: missense variant. On other transcripts: intron variant (2).
Genome position (GRCh38, 1-based): chr11:108,325,542, C>A. VCF-style: chr11-108325542-C-A. GRCh37 (hg19) VCF-style: chr11-108196269-C-A.
Other names: c.6805C>A, p.Gln2269Lys (NM_001351834.2); c.641-16471G>T (NM_001330368.2); c.*38+9678G>T (NM_001351110.2); short protein forms Q2269K.
Identifiers: ClinVar variation 1025789 (VCV001025789.13), dbSNP rs2085584895, ClinGen allele CA382555608.